The following is an entry in ClinVar:

ClinVar aggregate classification (germline): Uncertain significance (1 of 4 stars; one submission).

Conditions:
Autosomal dominant Parkinson disease 8. Also called: Parkinson disease 8, susceptibility to; LRRK2-Related Parkinson Disease; Parkinson disease 8. Identifiers: Orphanet 411602, MedGen C1846862, MONDO:0011764, OMIM 607060.

Submission:

Labcorp Genetics (formerly Invitae), Labcorp
Classification: Uncertain significance for Autosomal dominant Parkinson disease 8. Last evaluated: 2021-06-20. Review status: criteria provided, single submitter. Criteria: Invitae Variant Classification Sherloc (09022015). Collection method: clinical testing. Allele origin: germline.
Comment: This variant has not been reported in the literature in individuals with LRRK2-related conditions. In summary, the available evidence is currently insufficient to determine the role of this variant in disease. Therefore, it has been classified as a Variant of Uncertain Significance. Algorithms developed to predict the effect of missense changes on protein structure and function are either unavailable or do not agree on the potential impact of this missense change (SIFT: "Tolerated"; PolyPhen-2: "Possibly Damaging"; Align-GVGD: "Class C0"). This variant is not present in population databases (ExAC no frequency). This sequence change replaces serine with threonine at codon 659 of the LRRK2 protein (p.Ser659Thr). The serine residue is moderately conserved and there is a small physicochemical difference between serine and threonine.

NM_198578.4(LRRK2):c.1975T>A (p.Ser659Thr)

Gene: LRRK2 (leucine rich repeat kinase 2; plus strand). Cytogenetic location: 12q12.
Variant type: single nucleotide variant.
Coding change: c.1975T>A on transcript NM_198578.4 (MANE Select); coding-DNA position 1975, T replaced by A.
Protein change: p.Ser659Thr; replaces serine 659 with threonine.
Molecular consequence: missense variant.
Genome position (GRCh38, 1-based): chr12:40,277,921, T>A. VCF-style: chr12-40277921-T-A. GRCh37 (hg19) VCF-style: chr12-40671723-T-A.
Other names: short protein forms S659T.
Identifiers: ClinVar variation 1362742 (VCV001362742.8), dbSNP rs2136624204, ClinGen allele CA384404423.